The following is an entry in ClinVar:

ClinVar aggregate classification (germline): Uncertain significance (1 of 4 stars; one submission).

Conditions:
Heterotopia, periventricular, X-linked dominant (PVNH1). Also called: PERIVENTRICULAR NODULAR HETEROTOPIA 1; X-linked periventricular heterotopia; PERIVENTRICULAR NODULAR HETEROTOPIA 4; HETEROTOPIA, PERIVENTRICULAR, 1. Identifiers: Orphanet 2149, Orphanet 82004, MedGen C1848213, MONDO:0010233, OMIM 300049.
Melnick-Needles syndrome (MNS). Also called: Melnick-Needles Syndrome (FLNA-MNS); MELNICK-NEEDLES OSTEODYSPLASTY; OSTEODYSPLASTY OF MELNICK AND NEEDLES. Identifiers: Orphanet 2484, MedGen C0025237, MONDO:0010650, OMIM 309350.
Frontometaphyseal dysplasia (FMD1). Identifiers: Orphanet 1826, MedGen C0265293, MONDO:0015942.
Oto-palato-digital syndrome, type II (OPD2). Also called: Otopalatodigital Syndrome Type 2 (FLNA-OPD2); FACIOPALATOOSSEOUS SYNDROME; OPD II SYNDROME; Otopalatodigital Syndrome, Type II. Identifiers: Orphanet 669, Orphanet 90652, MedGen C1844696, MONDO:0010571, OMIM 304120.

Submission:

Labcorp Genetics (formerly Invitae), Labcorp
Classification: Uncertain significance for Oto-palato-digital syndrome, type II; Heterotopia, periventricular, X-linked dominant; Frontometaphyseal dysplasia; Melnick-Needles syndrome. Last evaluated: 2021-06-08. Review status: criteria provided, single submitter. Criteria: Invitae Variant Classification Sherloc (09022015). Collection method: clinical testing. Allele origin: germline.
Comment: In summary, the available evidence is currently insufficient to determine the role of this variant in disease. Therefore, it has been classified as a Variant of Uncertain Significance. Advanced modeling of protein sequence and biophysical properties (such as structural, functional, and spatial information, amino acid conservation, physicochemical variation, residue mobility, and thermodynamic stability) performed at Invitae indicates that this missense variant is expected to disrupt FLNA protein function. This variant has been observed in individual(s) with X-linked otopalatodigital spectrum disorders (PMID: 26404489). This variant is not present in population databases (ExAC no frequency). This sequence change replaces methionine with isoleucine at codon 229 of the FLNA protein (p.Met229Ile). The methionine residue is highly conserved and there is a small physicochemical difference between methionine and isoleucine.

Literature cited by the submitters: PubMed 26404489.

NM_001110556.2(FLNA):c.687G>A (p.Met229Ile)

Gene: FLNA (filamin A; minus strand). Cytogenetic location: Xq28.
Variant type: single nucleotide variant.
Coding change: c.687G>A on transcript NM_001110556.2 (MANE Select); coding-DNA position 687, G replaced by A.
Protein change: p.Met229Ile; replaces methionine 229 with isoleucine.
Molecular consequence: missense variant.
Genome position (GRCh38, 1-based): chrX:154,367,674, C>T on the plus strand (G>A on the coding strand, the complement: FLNA is on the minus strand). VCF-style: chrX-154367674-C-T. GRCh37 (hg19) VCF-style: chrX-153596042-C-T.
Other names: c.687G>A, p.Met229Ile (NM_001456.4); short protein forms M229I.
Identifiers: ClinVar variation 1512218 (VCV001512218.8), dbSNP rs886044820, ClinGen allele CA415248807.